The following is an entry in ClinVar:

ClinVar aggregate classification (germline): Uncertain significance (1 of 4 stars; one submission).

Conditions:
Duchenne muscular dystrophy (DMD). Also called: MUSCULAR DYSTROPHY, PSEUDOHYPERTROPHIC PROGRESSIVE, DUCHENNE TYPE; Duchenne Muscular Dystrophy (DMD). Identifiers: Orphanet 98896, MedGen C0013264, MONDO:0010679, OMIM 310200.

Submission:

Labcorp Genetics (formerly Invitae), Labcorp
Classification: Uncertain significance for Duchenne muscular dystrophy. Last evaluated: 2025-10-03. Review status: criteria provided, single submitter. Criteria: Invitae Variant Classification Sherloc (09022015). Collection method: clinical testing. Allele origin: germline.
Comment: This sequence change replaces isoleucine, which is neutral and non-polar, with methionine, which is neutral and non-polar, at codon 887 of the DMD protein (p.Ile887Met). This variant is not present in population databases (gnomAD no frequency). This variant has not been reported in the literature in individuals affected with DMD-related conditions. Invitae Evidence Modeling of protein sequence and biophysical properties (such as structural, functional, and spatial information, amino acid conservation, physicochemical variation, residue mobility, and thermodynamic stability) indicates that this missense variant is not expected to disrupt DMD protein function with a negative predictive value of 95%. In summary, the available evidence is currently insufficient to determine the role of this variant in disease. Therefore, it has been classified as a Variant of Uncertain Significance.

NM_004006.3(DMD):c.2661T>G (p.Ile887Met)

Gene: DMD (dystrophin; minus strand). Cytogenetic location: Xp21.1.
Variant type: single nucleotide variant.
Coding change: c.2661T>G on transcript NM_004006.3 (MANE Select); coding-DNA position 2661, T replaced by G.
Protein change: p.Ile887Met; replaces isoleucine 887 with methionine.
Molecular consequence: missense variant.
Genome position (GRCh38, 1-based): chrX:32,485,061, A>C on the plus strand (T>G on the coding strand, the complement: DMD is on the minus strand). VCF-style: chrX-32485061-A-C. GRCh37 (hg19) VCF-style: chrX-32503178-A-C.
Other names: c.2637T>G, p.Ile879Met (NM_000109.4); c.2649T>G, p.Ile883Met (NM_004009.3); c.2292T>G, p.Ile764Met (NM_004010.3); short protein forms I883M, I764M, I887M, I879M.
Identifiers: ClinVar variation 4751464 (VCV004751464.1).